The following is an entry in ClinVar:

NM_001048174.2(MUTYH):c.729C>T (p.Asp243=)

Gene: MUTYH (mutY DNA glycosylase; minus strand). Cytogenetic location: 1p34.1.
Variant type: single nucleotide variant.
Coding change: c.729C>T on transcript NM_001048174.2 (MANE Select); coding-DNA position 729, C replaced by T.
Protein change: p.Asp243=; no amino-acid change (aspartic acid 243 retained).
Molecular consequence: synonymous variant. On other transcripts: non-coding transcript variant (2).
Genome position (GRCh38, 1-based): chr1:45,332,286, G>A on the plus strand (C>T on the coding strand, the complement: MUTYH is on the minus strand). VCF-style: chr1-45332286-G-A. GRCh37 (hg19) VCF-style: chr1-45797958-G-A.
Other names: p.D271D:GAC>GAT; c.729C>T, p.Asp243= (NM_001048171.2, NM_001048173.2, NM_001293195.2); c.732C>T, p.Asp244= (NM_001048172.2); c.813C>T, p.Asp271= (NM_001128425.2); c.774C>T, p.Asp258= (NM_001293190.2); c.762C>T, p.Asp254= (NM_001293191.2); c.453C>T, p.Asp151= (NM_001293192.2, NM_001293196.2); c.384C>T, p.Asp128= (NM_001350650.2, NM_001350651.2); and 1 more.
Identifiers: ClinVar variation 182699 (VCV000182699.70), dbSNP rs730881838, ClinGen allele CA014358.

ClinVar aggregate classification (germline): Conflicting classifications of pathogenicity. Review status: criteria provided, conflicting classifications (1 of 4 stars). 11 submissions from 11 submitters: Uncertain significance (1); Benign (1); Likely benign (7). 2 of the submissions do not count toward it. Last evaluated 2026-01-28.

Conditions:
MUTYH-related disorder. Also called: MUTYH-related condition; MUTYH-related disorders.
Hereditary cancer-predisposing syndrome. Also called: Tumor predisposition; Neoplastic Syndromes, Hereditary; Hereditary Cancer Syndrome; Hereditary neoplastic syndrome. Identifiers: Orphanet 140162, MedGen C0027672, MeSH D009386, MONDO:0015356.
Familial adenomatous polyposis 2. Also called: MUTYH Polyposis; ADENOMAS, MULTIPLE COLORECTAL, AUTOSOMAL RECESSIVE; Adenomas, multiple colorectal; MYH-associated polyposis; FAP type 2; MUTYH-related attenuated familial adenomatous polyposis. Identifiers: Orphanet 220460, Orphanet 247798, MedGen C3272841, MONDO:0012041, OMIM 608456.

Allele frequency attached by ClinVar (database versions not stated): ExAC 0.00003; gnomAD exomes 0.00004 and 0.00005; TOPMed 0.00004; gnomAD 0.00005 and 0.00006.
gnomAD v4.1: 67 of 1,613,942 alleles (0.0042%); highest among the groups gnomAD compares: Admixed American, 0.005%; no homozygotes.

Submissions (11):

Labcorp Genetics (formerly Invitae), Labcorp
Classification: Likely benign for Familial adenomatous polyposis 2. Last evaluated: 2026-01-28. Review status: criteria provided, single submitter. Criteria: Invitae Variant Classification Sherloc (09022015). Collection method: clinical testing. Allele origin: germline.

All of Us Research Program, National Institutes of Health
Classification: Likely benign for Familial adenomatous polyposis 2. Last evaluated: 2024-02-05. Review status: criteria provided, single submitter. Criteria: ACMG Guidelines, 2015. Collection method: clinical testing. Allele origin: germline. Inheritance: Autosomal recessive inheritance. Observed: 14 variant alleles, 14 heterozygotes.
Comment: This study involves interpretation of variants in research participants for the purpose of population health screening. Participant phenotype was not available at the time of variant classification. Additional details can be found in publication PMID: 35346344, PMCID: PMC8962531

Quest Diagnostics Nichols Institute San Juan Capistrano
Classification: Likely benign. Last evaluated: 2024-01-23. Review status: criteria provided, single submitter. Criteria: Quest Diagnostics criteria. Collection method: clinical testing. Allele origin: unknown.

CeGaT Center for Human Genetics Tuebingen
Classification: Likely benign. Last evaluated: 2023-08-01. Review status: criteria provided, single submitter. Criteria: CeGaT Center For Human Genetics Tuebingen Variant Classification Criteria Version 2. Collection method: clinical testing. Allele origin: germline. Affected: yes. Observed: 3 variant alleles.
Comment: MUTYH: BP4, BP7

Women's Health and Genetics/Laboratory Corporation of America, LabCorp
Classification: Likely benign. Last evaluated: 2019-08-29. Review status: criteria provided, single submitter. Criteria: LabCorp Variant Classification Summary - May 2015. Collection method: clinical testing. Allele origin: germline.

Illumina Laboratory Services, Illumina
Classification: Uncertain significance for Familial adenomatous polyposis 2. Last evaluated: 2018-01-13. Review status: criteria provided, single submitter. Criteria: ICSL Variant Classification Criteria 13 December 2019. Collection method: clinical testing. Allele origin: germline.

Color Diagnostics, LLC DBA Color Health
Classification: Likely benign for Hereditary cancer-predisposing syndrome. Last evaluated: 2016-09-02. Review status: criteria provided, single submitter. Criteria: ACMG Guidelines, 2015. Collection method: clinical testing. Allele origin: germline.

Ambry Genetics
Classification: Likely benign for Hereditary cancer-predisposing syndrome. Last evaluated: 2014-11-29. Review status: criteria provided, single submitter. Criteria: Ambry Variant Classification Scheme 2023. Collection method: clinical testing. Allele origin: germline.

GeneDx
Classification: Benign. Last evaluated: 2014-10-03. Review status: criteria provided, single submitter. Criteria: GeneDx Variant Classification (06012015). Collection method: clinical testing. Allele origin: germline. Affected: yes.
Comment: This variant is considered likely benign or benign based on one or more of the following criteria: it is a conservative change, it occurs at a poorly conserved position in the protein, it is predicted to be benign by multiple in silico algorithms, and/or has population frequency not consistent with disease.

PreventionGenetics, part of Exact Sciences
Classification: Likely benign for MUTYH-related condition. Last evaluated: 2022-10-03. Review status: no assertion criteria provided. Collection method: clinical testing. Allele origin: germline. Not counted in ClinVar's aggregate classification.
Comment: This variant is classified as likely benign based on ACMG/AMP sequence variant interpretation guidelines (Richards et al. 2015 PMID: 25741868, with internal and published modifications).

Counsyl
Classification: Likely benign for Familial adenomatous polyposis 2. Last evaluated: 2015-12-13. Review status: no assertion criteria provided. Collection method: clinical testing. Allele origin: unknown. Not counted in ClinVar's aggregate classification.